The following is an entry in ClinVar:

ClinVar aggregate classification (germline): Uncertain significance (1 of 4 stars; one submission).

Conditions:
Hereditary cancer-predisposing syndrome. Also called: Neoplastic Syndromes, Hereditary; Tumor predisposition; Hereditary Cancer Syndrome; Hereditary neoplastic syndrome. Identifiers: Orphanet 140162, MedGen C0027672, MeSH D009386, MONDO:0015356.

Submission:

Ambry Genetics
Classification: Uncertain significance for Hereditary cancer-predisposing syndrome. Last evaluated: 2026-03-10. Review status: criteria provided, single submitter. Criteria: Ambry Variant Classification Scheme 2023. Collection method: clinical testing. Allele origin: germline.
Comment: The p.E171K variant (also known as c.511G>A), located in coding exon 2 of the CDKN1B gene, results from a G to A substitution at nucleotide position 511. The glutamic acid at codon 171 is replaced by lysine, an amino acid with similar properties. This amino acid position is conserved. In addition, this alteration is predicted to be tolerated by in silico analysis. Based on the available evidence, the clinical significance of this variant remains unclear.

NM_004064.5(CDKN1B):c.511G>A (p.Glu171Lys)

Gene: CDKN1B (cyclin dependent kinase inhibitor 1B; plus strand). Cytogenetic location: 12p13.1.
Variant type: single nucleotide variant.
Coding change: c.511G>A on transcript NM_004064.5 (MANE Select); coding-DNA position 511, G replaced by A.
Protein change: p.Glu171Lys; replaces glutamic acid 171 with lysine.
Molecular consequence: missense variant.
Genome position (GRCh38, 1-based): chr12:12,718,860, G>A. VCF-style: chr12-12718860-G-A. GRCh37 (hg19) VCF-style: chr12-12871794-G-A.
Other names: short protein forms E171K.
Identifiers: ClinVar variation 4826644 (VCV004826644.1).
Genomic context (GRCh38, chr12:12,718,860, plus strand): 5'-TTTTAAAAATTTCCCCTGCGCTTAGATTCTTCTACTCAAAACAAAAGAGCCAACAGAACA[G>A]AAGAAAATGTTTCAGACGGTTCCCCAAATGCCGGTTCTGTGGAGCAGACGCCCAAGAAGC-3'
Protein context (NP_004055.1, residues 161-181): STQNKRANRT[Glu171Lys]ENVSDGSPNA